The following is an entry in ClinVar:

ClinVar aggregate classification (germline): Likely benign (0 of 4 stars; one submission).

Conditions:
NCOA1-related disorder. Also called: NCOA1-related condition.

gnomAD v4.1: 8 of 1,613,608 alleles (0.0005%); highest among the groups gnomAD compares: Non-Finnish European, 0.00059%; no homozygotes.

Submission:

PreventionGenetics, part of Exact Sciences
Classification: Likely benign for NCOA1-related condition. Last evaluated: 2023-11-07. Review status: no assertion criteria provided. Collection method: clinical testing. Allele origin: germline.
Comment: This variant is classified as likely benign based on ACMG/AMP sequence variant interpretation guidelines (Richards et al. 2015 PMID: 25741868, with internal and published modifications).

NM_003743.5(NCOA1):c.3735T>C (p.Phe1245=)

Gene: NCOA1 (nuclear receptor coactivator 1; plus strand). Cytogenetic location: 2p23.3.
Variant type: single nucleotide variant.
Coding change: c.3735T>C on transcript NM_003743.5 (MANE Select); coding-DNA position 3735, T replaced by C.
Protein change: p.Phe1245=; no amino-acid change (phenylalanine 1245 retained).
Molecular consequence: synonymous variant.
Genome position (GRCh38, 1-based): chr2:24,752,010, T>C. VCF-style: chr2-24752010-T-C. GRCh37 (hg19) VCF-style: chr2-24974879-T-C.
Other names: c.3735T>C, p.Phe1245= (NM_001362950.1, NM_001362952.1, NM_001362954.1 and 3 more transcripts).
Identifiers: ClinVar variation 3357961 (VCV003357961.1).